The following is an entry in ClinVar:

ClinVar aggregate classification (germline): Benign (0 of 4 stars; one submission).

Conditions:
FOXF2-related disorder. Also called: FOXF2-related condition.

Allele frequency attached by ClinVar (database versions not stated): 1000 Genomes Project 0.00619; 1000 Genomes Project 30x 0.00625; ESP Exome Variant Server 0.00846.
gnomAD v4.1: 1,847 of 1,614,072 alleles (0.11%); highest among the groups gnomAD compares: African/African-American, 2.2%; 28 homozygotes.

Submission:

PreventionGenetics, part of Exact Sciences
Classification: Benign for FOXF2-related condition. Last evaluated: 2019-07-09. Review status: no assertion criteria provided. Collection method: clinical testing. Allele origin: germline.
Comment: This variant is classified as benign based on ACMG/AMP sequence variant interpretation guidelines (Richards et al. 2015 PMID: 25741868, with internal and published modifications).

NM_001452.2(FOXF2):c.*2C>A

Gene: FOXF2 (forkhead box F2; plus strand). Cytogenetic location: 6p25.3.
Variant type: single nucleotide variant.
Coding change: c.*2C>A on transcript NM_001452.2 (MANE Select); 2 bases downstream of the stop codon, C replaced by A.
Molecular consequence: 3 prime UTR variant.
Genome position (GRCh38, 1-based): chr6:1,394,861, C>A. VCF-style: chr6-1394861-C-A. GRCh37 (hg19) VCF-style: chr6-1395096-C-A.
Identifiers: ClinVar variation 3050000 (VCV003050000.2), dbSNP rs77775400, ClinGen allele CA3614674.